The following is an entry in ClinVar:

ClinVar aggregate classification (germline): Uncertain significance (1 of 4 stars; one submission).

Conditions:
Chédiak-Higashi syndrome (CHS). Also called: Chediak-Higashi Syndrome. Identifiers: Orphanet 167, MedGen C0007965, MONDO:0008963, OMIM 214500.

Submission:

Labcorp Genetics (formerly Invitae), Labcorp
Classification: Uncertain significance for Chédiak-Higashi syndrome. Last evaluated: 2022-03-20. Review status: criteria provided, single submitter. Criteria: Invitae Variant Classification Sherloc (09022015). Collection method: clinical testing. Allele origin: germline.
Comment: This sequence change replaces aspartic acid, which is acidic and polar, with glycine, which is neutral and non-polar, at codon 1199 of the LYST protein (p.Asp1199Gly). This variant is not present in population databases (gnomAD no frequency). This variant has not been reported in the literature in individuals affected with LYST-related conditions. Algorithms developed to predict the effect of missense changes on protein structure and function (SIFT, PolyPhen-2, Align-GVGD) all suggest that this variant is likely to be tolerated. In summary, the available evidence is currently insufficient to determine the role of this variant in disease. Therefore, it has been classified as a Variant of Uncertain Significance.

NM_000081.4(LYST):c.3596A>G (p.Asp1199Gly)

Gene: LYST (lysosomal trafficking regulator; minus strand). Cytogenetic location: 1q42.3.
Variant type: single nucleotide variant.
Coding change: c.3596A>G on transcript NM_000081.4 (MANE Select); coding-DNA position 3596, A replaced by G.
Protein change: p.Asp1199Gly; replaces aspartic acid 1199 with glycine.
Molecular consequence: missense variant.
Genome position (GRCh38, 1-based): chr1:235,803,024, T>C on the plus strand (A>G on the coding strand, the complement: LYST is on the minus strand). VCF-style: chr1-235803024-T-C. GRCh37 (hg19) VCF-style: chr1-235966324-T-C.
Other names: c.3596A>G, p.Asp1199Gly (NM_001301365.1); short protein forms D1199G.
Identifiers: ClinVar variation 2114992 (VCV002114992.1), dbSNP rs949047619, ClinGen allele CA39614709.
Genomic context (GRCh38, chr1:235,803,024, plus strand): 5'-TCTTCTTCAACTAAAAGTTTAAAACTACAACACTGAGAATCCTCAGCTTCTTCTGAAAAA[T>C]CACCAGGCTGGGATGACAATTCTTCTGCAGATTGATGACTCTATAAATCAGTGTAATTCA-3'
Protein context (NP_000072.2, residues 1189-1209): SAEELSSQPG[Asp1199Gly]FSEEAEDSQC